The following is an entry in ClinVar:

ClinVar aggregate classification (germline): Uncertain significance (1 of 4 stars; one submission).

Conditions:
Familial adenomatous polyposis 1 (FAP1). Also called: POLYPOSIS, ADENOMATOUS INTESTINAL; FAMILIAL ADENOMATOUS POLYPOSIS 1, ATTENUATED. Identifiers: MedGen C2713442, MONDO:0021056, OMIM 175100. Disease mechanism: loss of function.

Submission:

Labcorp Genetics (formerly Invitae), Labcorp
Classification: Uncertain significance for Familial adenomatous polyposis 1. Last evaluated: 2021-09-10. Review status: criteria provided, single submitter. Criteria: Invitae Variant Classification Sherloc (09022015). Collection method: clinical testing. Allele origin: germline.
Comment: This sequence change replaces methionine with leucine at codon 2364 of the APC protein (p.Met2364Leu). The methionine residue is highly conserved and there is a small physicochemical difference between methionine and leucine. This variant is not present in population databases (ExAC no frequency). This variant has not been reported in the literature in individuals affected with APC-related conditions. Algorithms developed to predict the effect of missense changes on protein structure and function are either unavailable or do not agree on the potential impact of this missense change (SIFT: "Deleterious"; PolyPhen-2: "Benign"; Align-GVGD: "Class C0"). In summary, the available evidence is currently insufficient to determine the role of this variant in disease. Therefore, it has been classified as a Variant of Uncertain Significance.

NM_000038.6(APC):c.7090A>T (p.Met2364Leu)

Gene: APC (APC regulator of Wnt signaling pathway; plus strand). Cytogenetic location: 5q22.2.
Variant type: single nucleotide variant.
Coding change: c.7090A>T on transcript NM_000038.6 (MANE Select); coding-DNA position 7090, A replaced by T.
Protein change: p.Met2364Leu; replaces methionine 2364 with leucine.
Molecular consequence: missense variant.
Genome position (GRCh38, 1-based): chr5:112,842,684, A>T. VCF-style: chr5-112842684-A-T. GRCh37 (hg19) VCF-style: chr5-112178381-A-T.
Other names: c.7090A>T, p.Met2364Leu (NM_001127510.3, NM_001354895.2); c.7036A>T, p.Met2346Leu (NM_001127511.3); c.7144A>T, p.Met2382Leu (NM_001354896.2); c.7120A>T, p.Met2374Leu (NM_001354897.2); c.7015A>T, p.Met2339Leu (NM_001354898.2); c.7006A>T, p.Met2336Leu (NM_001354899.2); c.6967A>T, p.Met2323Leu (NM_001354900.2); c.6913A>T, p.Met2305Leu (NM_001354901.2); and 5 more; short protein forms M2081L, M2204L, M2364L, M2263L, M2305L, M2336L, M2339L, M2346L.
Identifiers: ClinVar variation 1404451 (VCV001404451.6), dbSNP rs768929466, ClinGen allele CA16036774.
Genomic context (GRCh38, chr5:112,842,684, plus strand): 5'-CAACTTCCAAGGACATCATCCCCTAGTACTGCTTCAACTAAGTCCTCAGGTTCTGGAAAA[A>T]TGTCATATACATCTCCAGGTAGACAGATGAGCCAACAGAACCTTACCAAACAAACAGGTT-3'
Protein context (NP_000029.2, residues 2354-2374): ASTKSSGSGK[Met2364Leu]SYTSPGRQMS